The following is an entry in ClinVar:

NM_001080467.3(MYO5B):c.1860C>G (p.Pro620=)

Gene: MYO5B (myosin VB; minus strand). Cytogenetic location: 18q21.1.
Variant type: single nucleotide variant.
Coding change: c.1860C>G on transcript NM_001080467.3 (MANE Select); coding-DNA position 1860, C replaced by G.
Protein change: p.Pro620=; no amino-acid change (proline 620 retained).
Molecular consequence: synonymous variant.
Genome position (GRCh38, 1-based): chr18:49,937,290, G>C on the plus strand (C>G on the coding strand, the complement: MYO5B is on the minus strand). VCF-style: chr18-49937290-G-C. GRCh37 (hg19) VCF-style: chr18-47463660-G-C.
Other names: c.1860C>G (NM_001080467.2).
Identifiers: ClinVar variation 1620240 (VCV001620240.9), dbSNP rs533957873, ClinGen allele CA299994071.

ClinVar aggregate classification (germline): Likely benign. Review status: criteria provided, multiple submitters, no conflicts (2 of 4 stars). 2 submissions from 2 submitters: Likely benign (2). Last evaluated 2025-05-29.

Conditions:
MYO5B-related disorder. Also called: MYO5B-related condition.

gnomAD v4.1: 1 of 1,614,114 alleles (0.000062%); highest among the groups gnomAD compares: Non-Finnish European, 0.000085%; no homozygotes.

Submissions (2):

PreventionGenetics, part of Exact Sciences
Classification: Likely benign for MYO5B-related condition. Last evaluated: 2025-05-29. Review status: criteria provided, single submitter. Criteria: ACMG Guidelines, 2015. Collection method: clinical testing. Allele origin: germline.
Comment: This variant is classified as likely benign based on ACMG/AMP sequence variant interpretation guidelines (Richards et al. 2015 PMID: 25741868, with internal and published modifications).

Labcorp Genetics (formerly Invitae), Labcorp
Classification: Likely benign. Last evaluated: 2021-12-03. Review status: criteria provided, single submitter. Criteria: Invitae Variant Classification Sherloc (09022015). Collection method: clinical testing. Allele origin: germline.